The following is an entry in ClinVar:

NM_145886.4(PIDD1):c.1303-13_1303-12insTC

Gene: PIDD1 (p53-induced death domain protein 1; minus strand). Cytogenetic location: 11p15.5.
Variant type: Insertion.
Coding change: c.1303-13_1303-12insTC on transcript NM_145886.4 (MANE Select); 13 bases into the intron before coding-DNA position 1303 through 12 bases into the intron before coding-DNA position 1303, TC inserted.
Molecular consequence: intron variant.
Genome position: GRCh38 VCF-style: chr11-801636-G-GGA. GRCh37 (hg19) VCF-style: chr11-801636-G-GGA.
Other names: c.1303-13_1303-12insTC (NM_145887.4).
Identifiers: ClinVar variation 2682439 (VCV002682439.1), dbSNP rs1554969647, ClinGen allele CA597022763.

ClinVar aggregate classification (germline): Likely benign (1 of 4 stars; one submission).

Allele frequency attached by ClinVar (database versions not stated): gnomAD 0.00004.

Submission:

Women's Health and Genetics/Laboratory Corporation of America, LabCorp
Classification: Likely benign. Last evaluated: 2023-11-09. Review status: criteria provided, single submitter. Criteria: LabCorp Variant Classification Summary - May 2015. Collection method: clinical testing. Allele origin: germline.
Comment: Variant summary: LRDD c.1303-13_1303-12insTC alters non-conserved nucleotides located at a position not widely known to affect splicing. Consensus agreement among computation tools predict no significant impact on normal splicing. However, these predictions have yet to be confirmed by functional studies. The variant allele was found at a frequency of 3.2e-05 in 31030 control chromosomes. The available data on variant occurrences in the general population are insufficient to allow any conclusion about variant significance. To our knowledge, no occurrence of c.1303-13_1303-12insTC in individuals affected with Intellectual Developmental Disorder, Autosomal Recessive 75, With Neuropsychiatric Features And Variant Lissencephaly and no experimental evidence demonstrating its impact on protein function have been reported. No submitters have cited clinical-significance assessments for this variant to ClinVar after 2014. Based on the evidence outlined above, the variant was classified as likely benign.